The following is an entry in ClinVar:

NM_004972.4(JAK2):c.1721A>G (p.His574Arg)

Genes: INSL6 (insulin like 6; minus strand), JAK2 (Janus kinase 2; plus strand). Cytogenetic location: 9p24.1.
Variant type: single nucleotide variant.
Coding change: c.1721A>G on transcript NM_004972.4 (MANE Select); coding-DNA position 1721, A replaced by G.
Protein change: p.His574Arg; replaces histidine 574 with arginine.
Molecular consequence: missense variant. On other transcripts: non-coding transcript variant (2).
Genome position (GRCh38, 1-based): chr9:5,072,571, A>G. VCF-style: chr9-5072571-A-G. GRCh37 (hg19) VCF-style: chr9-5072571-A-G.
Other names: c.1721A>G, p.His574Arg (NM_001322194.2, NM_001322195.2, NM_001322196.2); c.506A>G, p.His169Arg (NM_001322198.2, NM_001322199.2); c.1274A>G, p.His425Arg (NM_001322204.2); short protein forms H169R, H425R, H574R.
Identifiers: ClinVar variation 3372394 (VCV003372394.1).

ClinVar aggregate classification (germline): Uncertain significance (1 of 4 stars; one submission).

gnomAD v4.1: 3 of 1,611,322 alleles (0.00019%); highest among the groups gnomAD compares: Non-Finnish European, 0.00025%; no homozygotes.

Submission:

GeneDx
Classification: Uncertain significance. Last evaluated: 2024-04-09. Review status: criteria provided, single submitter. Criteria: GeneDx Variant Classification Process June 2021. Collection method: clinical testing. Allele origin: germline. Affected: yes.
Comment: In silico analysis supports that this missense variant has a deleterious effect on protein structure/function; Has not been previously published as a pathogenic or benign germline variant to our knowledge; This variant is associated with the following publications: (PMID: 26216197)